The following is an entry in ClinVar:

ClinVar aggregate classification (germline): Conflicting classifications of pathogenicity. Review status: criteria provided, conflicting classifications (1 of 4 stars). 3 submissions from 3 submitters: Uncertain significance (1); Likely benign (1). 1 of the submissions does not count toward it. Last evaluated 2023-08-16.

Conditions:
Cockayne syndrome. Identifiers: Orphanet 191, MedGen C0009207, MONDO:0016006.
Fanconi anemia complementation group Q. Identifiers: Orphanet 84, MedGen C3808988, MONDO:0014108, OMIM 615272.
Xeroderma pigmentosum, group F (XPF). Also called: XERODERMA PIGMENTOSUM, TYPE F; Xeroderma pigmentosum, type 6; XERODERMA PIGMENTOSUM, COMPLEMENTATION GROUP F; XERODERMA PIGMENTOSUM VI; XP, GROUP F; ERCC4-Related Xeroderma Pigmentosum. Identifiers: MedGen C0268140, MONDO:0010215, OMIM 278760.

Allele frequency attached by ClinVar (database versions not stated): ExAC 0.00001; TOPMed 0.00002; gnomAD 0.00003.
gnomAD v4.1: 34 of 1,613,658 alleles (0.0021%); highest among the groups gnomAD compares: Non-Finnish European, 0.0027%; no homozygotes.

Submissions (3):

Labcorp Genetics (formerly Invitae), Labcorp
Classification: Uncertain significance for Fanconi anemia complementation group Q; Xeroderma pigmentosum, group F; Cockayne syndrome. Last evaluated: 2023-08-16. Review status: criteria provided, single submitter. Criteria: Invitae Variant Classification Sherloc (09022015). Collection method: clinical testing. Allele origin: germline.
Comment: In summary, the available evidence is currently insufficient to determine the role of this variant in disease. Therefore, it has been classified as a Variant of Uncertain Significance. Advanced modeling of protein sequence and biophysical properties (such as structural, functional, and spatial information, amino acid conservation, physicochemical variation, residue mobility, and thermodynamic stability) performed at Invitae indicates that this missense variant is not expected to disrupt ERCC4 protein function. ClinVar contains an entry for this variant (Variation ID: 1049071). This variant has not been reported in the literature in individuals affected with ERCC4-related conditions. This variant is present in population databases (rs775257742, gnomAD 0.002%). This sequence change replaces serine, which is neutral and polar, with arginine, which is basic and polar, at codon 96 of the ERCC4 protein (p.Ser96Arg).

Blueprint Genetics
Classification: Likely benign. Last evaluated: 2022-10-14. Review status: criteria provided, single submitter. Criteria: ACMG Guidelines, 2015. Collection method: clinical testing. Allele origin: germline.

Department of Pathology and Laboratory Medicine, Sinai Health System
Classification: Uncertain significance. Review status: no assertion criteria provided. Collection method: clinical testing. Allele origin: unknown. Affected: yes. Study: The Canadian Open Genetics Repository (COGR). Not counted in ClinVar's aggregate classification.
Comment: The ERCC4 p.Ser96Arg variant was not identified in the literature nor was it identified in ClinVar, Cosmic or LOVD 3.0. The variant was identified in dbSNP (ID: rs775257742) and in control databases in 4 of 282774 chromosomes at a frequency of 0.00001415 (Genome Aggregation Database March 6, 2019, v2.1.1). The variant was observed in the European (non-Finnish) population in 4 of 129120 chromosomes (freq: 0.000031), but was not observed in the African, Latino, Ashkenazi Jewish, East Asian, European (Finnish), Other, or South Asian populations. The p.Ser96 residue is not conserved in mammals and four out of five computational analyses (PolyPhen-2, SIFT, AlignGVGD, BLOSUM, MutationTaster) do not suggest a high likelihood of impact to the protein; however, this information is not predictive enough to rule out pathogenicity. The variant occurs outside of the splicing consensus sequence and in silico or computational prediction software programs (SpliceSiteFinder, MaxEntScan, NNSPLICE, GeneSplicer) do not predict a difference in splicing. In summary, based on the above information the clinical significance of this variant cannot be determined with certainty at this time. This variant is classified as a variant of uncertain significance.

NM_005236.3(ERCC4):c.286A>C (p.Ser96Arg)

Gene: ERCC4 (ERCC excision repair 4, endonuclease catalytic subunit; plus strand). Cytogenetic location: 16p13.12.
Variant type: single nucleotide variant.
Coding change: c.286A>C on transcript NM_005236.3 (MANE Select); coding-DNA position 286, A replaced by C.
Protein change: p.Ser96Arg; replaces serine 96 with arginine.
Molecular consequence: missense variant.
Genome position (GRCh38, 1-based): chr16:13,922,109, A>C. VCF-style: chr16-13922109-A-C. GRCh37 (hg19) VCF-style: chr16-14015966-A-C.
Other names: short protein forms S96R.
Identifiers: ClinVar variation 1049071 (VCV001049071.6), dbSNP rs775257742, ClinGen allele CA7910143.
Genomic context (GRCh38, chr16:13,922,109, plus strand): 5'-CTGAAGATAGAAGGAGTTGAACACCTCCCTCGCCGTGTAACAAATGAAATCACAAGCAAC[A>C]GTCGCTATGAAGTTTACACACAAGGTGGTGTTATATTTGCGACAAGTAGGATACTTGTGG-3'
Protein context (NP_005227.1, residues 86-106): RRVTNEITSN[Ser96Arg]RYEVYTQGGV